The following is an entry in ClinVar:

ClinVar aggregate classification (germline): Conflicting classifications of pathogenicity. Review status: criteria provided, conflicting classifications (1 of 4 stars). 3 submissions from 3 submitters: Uncertain significance (2); Likely benign (1). Last evaluated 2026-03-18.

Conditions:
Amelogenesis imperfecta hypomaturation type 2A3. Also called: Amelogenesis imperfecta, type IIA3. Identifiers: Orphanet 88661, MedGen C2750771, MONDO:0013181, OMIM 613211. Disease mechanism: loss of function.
Inborn genetic diseases. Identifiers: MedGen C0950123, MeSH D030342.

Allele frequency attached by ClinVar (database versions not stated): gnomAD exomes 0.00003; ExAC 0.00012; gnomAD 0.00030; 1000 Genomes Project 30x 0.00031; TOPMed 0.00036; 1000 Genomes Project 0.00040; ESP Exome Variant Server 0.00062.
gnomAD v4.1: 102 of 1,614,068 alleles (0.0063%); highest among the groups gnomAD compares: African/African-American, 0.12%; no homozygotes.

Submissions (3):

Leeds Amelogenesis Imperfecta Research Group, University of Leeds
Classification: Likely benign for Amelogenesis imperfecta hypomaturation type 2A3. Last evaluated: 2026-03-18. Review status: criteria provided, single submitter. Criteria: ACMG Guidelines, 2015. Collection method: research. Allele origin: biparental. Inheritance: Autosomal dominant inheritance. Affected: yes. Observed: 1 variant allele, 1 homozygote. Segregation with disease observed.
Comment: The NM _182758.4: c.1048A>G, p.(Thr350Ala) variant in WDR72 is part of a complex allele, with c.883G>A, p.(Ala295Thr) appearing in cis. Variants in WDR72 have been previously identified in individuals with amelogenesis imperfecta. This variant has not been previously reported in a publication. The family in which this variant was identified have been reported by Hany et al. 2025: PMID:40741335 (note that this variant is not mentioned). This variant is not listed in ClinVar. This variant is present in gnomAD with an allele frequency of 0.00006319 (BS1), having been identified in 102 individual in total as a heterozygous variant (v.4.1.0). CADD (v1.7) analysis showed this variant to have a score of 23.1 (20 indicates that the variant is in the top 1% of most deleterious variants of the genome, 30 indicates that it is in the top 0.1%), however in silico predictions do not unanimously regard this variant as pathogenic (BP4). Aggregated score on Franklin shows this variant’s score to be likely benign, however we believe that as part of the complex allele with another variant, this variant may contribute to disease. In summary, this variant meets criteria to be classified as likely benign for amelogenesis imperfecta based on the ACMG/AMP criteria applied, as specified: PP1, PP4, PM3, BS1, BP4, but it’s in a complex allele whose information cannot be completely captured using ACMG criteria from Franklin / Genoox.

Ambry Genetics
Classification: Uncertain significance for Inborn genetic diseases. Last evaluated: 2024-10-07. Review status: criteria provided, single submitter. Criteria: Ambry Variant Classification Scheme 2023. Collection method: clinical testing. Allele origin: germline.

Fulgent Genetics
Classification: Uncertain significance for Amelogenesis imperfecta hypomaturation type 2A3. Last evaluated: 2024-03-19. Review status: criteria provided, single submitter. Criteria: ACMG Guidelines, 2015. Collection method: clinical testing. Allele origin: germline.

Literature cited by the submitters: PubMed 40741335 (cited by Leeds Amelogenesis Imperfecta Research Group, University of Leeds).

NM_182758.4(WDR72):c.1048A>G (p.Thr350Ala)

Gene: WDR72 (WD repeat domain 72; minus strand). Cytogenetic location: 15q21.3.
Variant type: single nucleotide variant.
Coding change: c.1048A>G on transcript NM_182758.4 (MANE Select); coding-DNA position 1048, A replaced by G.
Protein change: p.Thr350Ala; replaces threonine 350 with alanine.
Molecular consequence: missense variant. On other transcripts: non-coding transcript variant (1).
Genome position (GRCh38, 1-based): chr15:53,705,981, T>C on the plus strand (A>G on the coding strand, the complement: WDR72 is on the minus strand). VCF-style: chr15-53705981-T-C. GRCh37 (hg19) VCF-style: chr15-53998178-T-C.
Other names: short protein forms T350A.
Identifiers: ClinVar variation 2393673 (VCV002393673.4), dbSNP rs138509133, ClinGen allele CA7571222.